The following is an entry in ClinVar:

NM_170754.4(TNS2):c.2005C>G (p.Arg669Gly)

Gene: TNS2 (tensin 2; plus strand). Cytogenetic location: 12q13.13.
Variant type: single nucleotide variant.
Coding change: c.2005C>G on transcript NM_170754.4 (MANE Select); coding-DNA position 2005, C replaced by G.
Protein change: p.Arg669Gly; replaces arginine 669 with glycine.
Molecular consequence: missense variant.
Genome position (GRCh38, 1-based): chr12:53,059,646, C>G. VCF-style: chr12-53059646-C-G. GRCh37 (hg19) VCF-style: chr12-53453430-C-G.
Other names: c.2005C>G, p.Arg669Gly (NM_001416202.1); c.1963C>G, p.Arg655Gly (NM_001416203.1); c.2032C>G, p.Arg678Gly (NM_001416204.1); c.1936C>G, p.Arg646Gly (NM_015319.3); c.1633C>G, p.Arg545Gly (NM_198316.2); short protein forms R545G, R669G, R679G, R646G, R655G, R678G.
Identifiers: ClinVar variation 2023845 (VCV002023845.5), dbSNP rs370508882, ClinGen allele CA6592505.

ClinVar aggregate classification (germline): Uncertain significance. Review status: criteria provided, multiple submitters, no conflicts (2 of 4 stars). 2 submissions from 2 submitters: Uncertain significance (2). Last evaluated 2025-03-17.

gnomAD v4.1: 27 of 1,613,178 alleles (0.0017%); highest among the groups gnomAD compares: South Asian, 0.03%; no homozygotes.

Submissions (2):

Ambry Genetics
Classification: Uncertain significance. Last evaluated: 2025-03-17. Review status: criteria provided, single submitter. Criteria: Ambry Variant Classification Scheme 2023. Collection method: clinical testing. Allele origin: germline.

Labcorp Genetics (formerly Invitae), Labcorp
Classification: Uncertain significance. Last evaluated: 2022-08-12. Review status: criteria provided, single submitter. Criteria: Invitae Variant Classification Sherloc (09022015). Collection method: clinical testing. Allele origin: germline.
Comment: This variant is present in population databases (rs370508882, gnomAD 0.04%). This sequence change replaces arginine, which is basic and polar, with glycine, which is neutral and non-polar, at codon 679 of the TNS2 protein (p.Arg679Gly). This variant has not been reported in the literature in individuals affected with TNS2-related conditions. Algorithms developed to predict the effect of missense changes on protein structure and function are either unavailable or do not agree on the potential impact of this missense change (SIFT: "Tolerated"; PolyPhen-2: "Probably Damaging"; Align-GVGD: "Class C0"). In summary, the available evidence is currently insufficient to determine the role of this variant in disease. Therefore, it has been classified as a Variant of Uncertain Significance.